The following is an entry in ClinVar:

ClinVar aggregate classification (germline): Uncertain significance. Review status: criteria provided, multiple submitters, no conflicts (2 of 4 stars). 2 submissions from 2 submitters: Uncertain significance (2). Last evaluated 2025-10-21.

Conditions:
Hereditary cancer-predisposing syndrome. Also called: Neoplastic Syndromes, Hereditary; Hereditary neoplastic syndrome; Tumor predisposition; Hereditary Cancer Syndrome. Identifiers: Orphanet 140162, MedGen C0027672, MeSH D009386, MONDO:0015356.
DICER1-related tumor predisposition. Also called: DICER1-related pleuropulmonary blastoma cancer predisposition syndrome; DICER1 syndrome. Identifiers: Orphanet 284343, MedGen C3839822, MONDO:0100216.

gnomAD v4.1: 1 of 1,613,940 alleles (0.000062%); highest among the groups gnomAD compares: East Asian, 0.0022%; no homozygotes.

Submissions (2):

Labcorp Genetics (formerly Invitae), Labcorp
Classification: Uncertain significance for DICER1-related tumor predisposition. Last evaluated: 2025-10-21. Review status: criteria provided, single submitter. Criteria: Invitae Variant Classification Sherloc (09022015). Collection method: clinical testing. Allele origin: germline.
Comment: This sequence change replaces lysine, which is basic and polar, with glutamic acid, which is acidic and polar, at codon 222 of the DICER1 protein (p.Lys222Glu). This variant is present in population databases (rs752322804, gnomAD 0.006%). This variant has not been reported in the literature in individuals affected with DICER1-related conditions. ClinVar contains an entry for this variant (Variation ID: 3272058). Invitae Evidence Modeling of protein sequence and biophysical properties (such as structural, functional, and spatial information, amino acid conservation, physicochemical variation, residue mobility, and thermodynamic stability) indicates that this missense variant is not expected to disrupt DICER1 protein function with a negative predictive value of 95%. In summary, the available evidence is currently insufficient to determine the role of this variant in disease. Therefore, it has been classified as a Variant of Uncertain Significance.

Ambry Genetics
Classification: Uncertain significance for Hereditary cancer-predisposing syndrome. Last evaluated: 2024-06-21. Review status: criteria provided, single submitter. Criteria: Ambry Variant Classification Scheme 2023. Collection method: clinical testing. Allele origin: germline.
Comment: The p.K222E variant (also known as c.664A>G), located in coding exon 5 of the DICER1 gene, results from an A to G substitution at nucleotide position 664. The lysine at codon 222 is replaced by glutamic acid, an amino acid with similar properties. This amino acid position is conserved. In addition, the in silico prediction for this alteration is inconclusive. Based on the available evidence, the clinical significance of this variant remains unclear.

NM_177438.3(DICER1):c.664A>G (p.Lys222Glu)

Gene: DICER1 (dicer 1, ribonuclease III; minus strand). Cytogenetic location: 14q32.13.
Variant type: single nucleotide variant.
Coding change: c.664A>G on transcript NM_177438.3 (MANE Select); coding-DNA position 664, A replaced by G.
Protein change: p.Lys222Glu; replaces lysine 222 with glutamic acid.
Molecular consequence: missense variant. On other transcripts: 5 prime UTR variant (1), non-coding transcript variant (6).
Genome position (GRCh38, 1-based): chr14:95,129,542, T>C on the plus strand (A>G on the coding strand, the complement: DICER1 is on the minus strand). VCF-style: chr14-95129542-T-C. GRCh37 (hg19) VCF-style: chr14-95595879-T-C.
Other names: c.664A>G, p.Lys222Glu (NM_001195573.1, NM_001271282.3, NM_001291628.2 and 14 more transcripts); c.382A>G, p.Lys128Glu (NM_001395686.1); c.259A>G, p.Lys87Glu (NM_001395687.1, NM_001395688.1, NM_001395689.1 and 3 more transcripts); c.97A>G, p.Lys33Glu (NM_001395691.1); c.-905A>G (NM_001395697.1); short protein forms K222E, K87E, K128E, K33E.
Identifiers: ClinVar variation 3272058 (VCV003272058.3).